The following is an entry in ClinVar:

ClinVar aggregate classification (germline): Pathogenic/Likely pathogenic. Review status: criteria provided, multiple submitters, no conflicts (2 of 4 stars). 3 submissions from 3 submitters: Pathogenic (1); Likely pathogenic (2). Last evaluated 2025-08-20.

Conditions:
Autosomal recessive limb-girdle muscular dystrophy type 2A (LGMDR1). Also called: Calpainopathy; LEYDEN-MOEBIUS MUSCULAR DYSTROPHY; MUSCULAR DYSTROPHY, PELVOFEMORAL; Limb-girdle muscular dystrophy, type 2A; Muscular dystrophy, limb-girdle, type 2A, Amish. Identifiers: Orphanet 267, MedGen C1869123, MONDO:0009675, OMIM 253600. Disease mechanism: loss of function.

Allele frequency attached by ClinVar (database versions not stated): gnomAD exomes below 0.00001.
gnomAD v4.1: 1 of 1,611,698 alleles (0.000062%); highest among the groups gnomAD compares: Non-Finnish European, 0.000085%; no homozygotes.

Submissions (3):

Myriad Genetics, Inc.
Classification: Pathogenic for Autosomal recessive limb-girdle muscular dystrophy type 2A. Last evaluated: 2025-08-20. Review status: criteria provided, single submitter. Criteria: Myriad Autosomal Dominant, Autosomal Recessive and X-Linked Classification Criteria (2023). Collection method: clinical testing. Allele origin: unknown.
Comment: NM_000070.2(CAPN3):c.1193+1G>A is a variant in a canonical splice site classified as pathogenic in the context of calpainopathy. c.1193+1G>A has been observed in a case with relevant disease (PMID: 29970176). Relevant functional assessments of this variant are not available in the literature. c.1193+1G>A has not been observed in referenced population frequency databases. In summary, NM_000070.2(CAPN3):c.1193+1G>A is a variant in a canonical splice site that has been observed more frequently in cases with the relevant disease than in healthy populations. Please note: this variant was assessed in the context of healthy population screening.

Natera, Inc.
Classification: Likely pathogenic for Limb-girdle muscular dystrophy type 2A. Last evaluated: 2025-06-11. Review status: criteria provided, single submitter. Criteria: Natera Variant Classification Schema (03/2026). Collection method: clinical testing. Allele origin: germline.
Comment: The c.1193+1G>A variant in CAPN3 is a canonical splice donor site variant predicted to affect pre-mRNA splicing, which may result in an abnormal transcript and altered protein product. This variant is expected to result in nonsense mediated decay, truncation, or a dysfunctional protein product. This variant is rare in the general population with a frequency below the threshold expected for the associated phenotype(s). This variant has been observed in one or more individuals affected with the associated recessive disease, as either homozygous or compound heterozygous with a second variant (PMID: 29970176). Given the available evidence, this variant is classified as Likely Pathogenic.

Labcorp Genetics (formerly Invitae), Labcorp
Classification: Likely pathogenic for Autosomal recessive limb-girdle muscular dystrophy type 2A. Last evaluated: 2022-04-05. Review status: criteria provided, single submitter. Criteria: Invitae Variant Classification Sherloc (09022015). Collection method: clinical testing. Allele origin: germline.
Comment: In summary, the currently available evidence indicates that the variant is pathogenic, but additional data are needed to prove that conclusively. Therefore, this variant has been classified as Likely Pathogenic. Algorithms developed to predict the effect of sequence changes on RNA splicing suggest that this variant may disrupt the consensus splice site. Disruption of this splice site has been observed in individual(s) with limb-girdle muscular dystrophy (PMID: 29970176). This variant is not present in population databases (gnomAD no frequency). This sequence change affects a donor splice site in intron 9 of the CAPN3 gene. It is expected to disrupt RNA splicing. Variants that disrupt the donor or acceptor splice site typically lead to a loss of protein function (PMID: 16199547), and loss-of-function variants in CAPN3 are known to be pathogenic (PMID: 10330340, 15689361).

Literature cited by the submitters: PubMed 29970176 (cited by 3 submitters); PubMed 16199547 (cited by Labcorp Genetics (formerly Invitae), Labcorp); PubMed 10330340 (cited by Labcorp Genetics (formerly Invitae), Labcorp); PubMed 15689361 (cited by Labcorp Genetics (formerly Invitae), Labcorp).

NM_000070.3(CAPN3):c.1193+1G>A

Gene: CAPN3 (calpain 3; plus strand). Cytogenetic location: 15q15.1.
Variant type: single nucleotide variant.
Coding change: c.1193+1G>A on transcript NM_000070.3 (MANE Select); the canonical splice donor site of the intron after coding-DNA position 1193, G replaced by A.
Molecular consequence: splice donor variant.
Genome position (GRCh38, 1-based): chr15:42,396,878, G>A. VCF-style: chr15-42396878-G-A. GRCh37 (hg19) VCF-style: chr15-42689076-G-A.
Other names: c.1193+1G>A (NM_024344.2, NM_000070.2); c.1049+1G>A (NM_173087.2).
Identifiers: ClinVar variation 2152226 (VCV002152226.6), dbSNP rs2548270234, ClinGen allele CA391999291.
Genomic context (GRCh38, chr15:42,396,878, plus strand): 5'-TGTGGACAAAGATGAGAAGGCCCGTCTGCAGCACCAGGTCACTGAGGATGGAGAGTTCTG[G>A]TGAGTCCAGAACCCAGGAAGACCCAGAAGGGTAAGGGTGGGGAAGAGAGGGGAAATCTCA-3'